The following is an entry in ClinVar:

NM_001002294.3(FMO3):c.591_594delinsAA (p.Cys197_Asp198delinsTer)

Genes: FMO3 (flavin containing dimethylaniline monoxygenase 3; plus strand), LOC126805916 (BRD4-independent group 4 enhancer GRCh37_chr1:171076844-171078043; plus strand). Cytogenetic location: 1q24.3.
Variant type: Indel.
Coding change: c.591_594delinsAA on transcript NM_001002294.3 (MANE Select); coding-DNA positions 591 to 594, TGAT replaced by AA.
Protein change: p.Cys197_Asp198delinsTer.
Molecular consequence: nonsense.
Genome position (GRCh38, 1-based): chr1:171,108,185-171,108,188, TGAT replaced by AA. VCF-style: chr1-171108185-TGAT-AA. GRCh37 (hg19) VCF-style: chr1-171077326-TGAT-AA.
Other names: c.402_405delinsAA, p.Cys134_Asp135delinsTer (NM_001319174.2); c.591_594delinsAA, p.Cys197_Asp198delinsTer (NM_006894.6); c.531_534delinsAA, p.Cys177_Asp178delinsTer (NM_001319173.2).
Identifiers: ClinVar variation 3573979 (VCV003573979.1).

ClinVar aggregate classification (germline): Pathogenic. Review status: criteria provided, multiple submitters, no conflicts (2 of 4 stars). 2 submissions from 2 submitters: Pathogenic (2). Last evaluated 2025-09-24.

Conditions:
Trimethylaminuria (TMAU). Also called: FISH-ODOR SYNDROME; Fish malodor syndrome; Stale fish syndrome; TMAuria; Primary Trimethylaminuria. Identifiers: MedGen C0342739, MONDO:0011182, OMIM 602079, HP:0003614. Disease mechanism: loss of function.

Submissions (2):

First Genomix Gene Laboratory, Genetic Diagnostics Department
Classification: Pathogenic for Trimethylaminuria. Last evaluated: 2025-09-24. Review status: criteria provided, single submitter. Criteria: ACMG Guidelines, 2015. Collection method: clinical testing. Allele origin: germline. Inheritance: Autosomal recessive inheritance. Affected: no. Observed: 1 variant allele.

Fulgent Genetics
Classification: Pathogenic for Trimethylaminuria. Last evaluated: 2024-03-18. Review status: criteria provided, single submitter. Criteria: ACMG Guidelines, 2015. Collection method: clinical testing. Allele origin: germline.